The following is an entry in ClinVar:

ClinVar aggregate classification (germline): Conflicting classifications of pathogenicity. Review status: criteria provided, conflicting classifications (1 of 4 stars). 5 submissions from 5 submitters: Uncertain significance (4); Likely benign (1). Last evaluated 2025-07-09.

Conditions:
Primary ciliary dyskinesia. Also called: Ciliary dyskinesia. Identifiers: Orphanet 244, MedGen C0008780, MONDO:0016575, HP:0012265.
Primary ciliary dyskinesia 3. Identifiers: Orphanet 244, MedGen C1837618, MONDO:0012085, OMIM 608644.

Allele frequency attached by ClinVar (database versions not stated): gnomAD exomes 0.00001 and 0.00003; ExAC 0.00002; TOPMed 0.00003; gnomAD 0.00005; ESP Exome Variant Server 0.00008.
gnomAD v4.1: 22 of 1,613,780 alleles (0.0014%); highest among the groups gnomAD compares: East Asian, 0.0045%; no homozygotes.

Submissions (5):

Labcorp Genetics (formerly Invitae), Labcorp
Classification: Likely benign for Primary ciliary dyskinesia. Last evaluated: 2025-07-09. Review status: criteria provided, single submitter. Criteria: Invitae Variant Classification Sherloc (09022015). Collection method: clinical testing. Allele origin: germline.

ARUP Laboratories, Molecular Genetics and Genomics, ARUP Laboratories
Classification: Uncertain significance for Primary ciliary dyskinesia 3. Last evaluated: 2024-06-26. Review status: criteria provided, single submitter. Criteria: ARUP Molecular Germline Variant Investigation Process 2024. Collection method: clinical testing. Allele origin: germline.
Comment: The DNAH5 c.12473G>A; p.Arg4158Gln variant (rs376927687), to our knowledge, is not reported in the medical literature but is reported in ClinVar (Variation ID: 977577). This variant is found in the general population with an overall allele frequency of 0.003% (9/282606 alleles) in the Genome Aggregation Database (v2.1.1). Computational analyses are uncertain whether this variant is neutral or deleterious (REVEL: 0.17). Due to limited information, the clinical significance of this variant is uncertain at this time.

Ambry Genetics
Classification: Uncertain significance for Primary ciliary dyskinesia. Last evaluated: 2018-12-14. Review status: criteria provided, single submitter. Criteria: Ambry Variant Classification Scheme 2023. Collection method: clinical testing. Allele origin: germline.
Comment: The p.R4158Q variant (also known as c.12473G>A), located in coding exon 72 of the DNAH5 gene, results from a G to A substitution at nucleotide position 12473. The arginine at codon 4158 is replaced by glutamine, an amino acid with highly similar properties. This amino acid position is not well conserved in available vertebrate species. In addition, this alteration is predicted to be tolerated by in silico analysis. Since supporting evidence is limited at this time, the clinical significance of this alteration remains unclear.

UNC Molecular Genetics  Laboratory, University of North Carolina at Chapel Hill
Classification: Uncertain significance for Primary ciliary dyskinesia. Last evaluated: 2018-05-31. Review status: criteria provided, single submitter. Criteria: ACMG Guidelines, 2015. Collection method: clinical testing. Allele origin: germline. Observed: 1 heterozygote.

Breakthrough Genomics
Classification: Uncertain significance. Review status: criteria provided, single submitter. Criteria: ACMG Guidelines, 2015. Collection method: not provided. Allele origin: germline. Inheritance: Autosomal recessive inheritance. Affected: yes.

NM_001369.3(DNAH5):c.12473G>A (p.Arg4158Gln)

Gene: DNAH5 (dynein axonemal heavy chain 5; minus strand). Cytogenetic location: 5p15.2.
Variant type: single nucleotide variant.
Coding change: c.12473G>A on transcript NM_001369.3 (MANE Select); coding-DNA position 12473, G replaced by A.
Protein change: p.Arg4158Gln; replaces arginine 4158 with glutamine.
Molecular consequence: missense variant.
Genome position (GRCh38, 1-based): chr5:13,718,908, C>T on the plus strand (G>A on the coding strand, the complement: DNAH5 is on the minus strand). VCF-style: chr5-13718908-C-T. GRCh37 (hg19) VCF-style: chr5-13719017-C-T.
Other names: short protein forms R4158Q.
Identifiers: ClinVar variation 977577 (VCV000977577.11), dbSNP rs376927687, ClinGen allele CA3201630.